The following is an entry in ClinVar:

NM_000497.4(CYP11B1):c.*738G>A

Gene: CYP11B1 (cytochrome P450 family 11 subfamily B member 1; minus strand). Cytogenetic location: 8q24.3.
Variant type: single nucleotide variant.
Coding change: c.*738G>A on transcript NM_000497.4 (MANE Select); 738 bases downstream of the stop codon, G replaced by A.
Molecular consequence: 3 prime UTR variant.
Genome position (GRCh38, 1-based): chr8:142,873,635, C>T on the plus strand (G>A on the coding strand, the complement: CYP11B1 is on the minus strand). VCF-style: chr8-142873635-C-T. GRCh37 (hg19) VCF-style: chr8-143955051-C-T.
Other names: c.*738G>A (NM_001026213.1).
Identifiers: ClinVar variation 362127 (VCV000362127.9), dbSNP rs5304, ClinGen allele CA10630373.
Genomic context (GRCh38, chr8:142,873,635, plus strand): 5'-TCTGGAACCACACCCCAGGTTCCCACCCCACATGACTCTTCCATCTCCTGACAGCATCCT[C>T]GGGACCTTCCCCAGGGGACAGCACAGGAAGCAGAGGACCCAACACCCACTCCTGGAACAA-3'

ClinVar aggregate classification (germline): Benign. Review status: criteria provided, multiple submitters, no conflicts (2 of 4 stars). 4 submissions from 3 submitters: Benign (4). Last evaluated 2021-05-11.

Conditions:
Deficiency of steroid 11-beta-monooxygenase (CYP11B1). Also called: ADRENAL HYPERPLASIA, CONGENITAL, DUE TO STEROID 11-BETA-HYDROXYLASE DEFICIENCY; 11-BETA-HYDROXYLASE DEFICIENCY; ADRENAL HYPERPLASIA IV; P450C11B1 DEFICIENCY; STEROID 11-BETA-HYDROXYLASE DEFICIENCY; Congenital adrenal hyperplasia due to 11-beta-hydroxylase deficiency. Identifiers: Orphanet 90795, MedGen C0268292, MONDO:0008729, OMIM 202010. Disease mechanism: loss of function.
Glucocorticoid-remediable aldosteronism. Also called: Hyperaldosteronism, familial, type I; ACTH-DEPENDENT HYPERALDOSTERONISM SYNDROME; ALDOSTERONISM, SENSITIVE TO DEXAMETHASONE; FH I; GLUCOCORTICOID-SUPPRESSIBLE HYPERALDOSTERONISM. Identifiers: Orphanet 403, MedGen C3838731, MONDO:0007080, OMIM 103900.

Allele frequency attached by ClinVar (database versions not stated): gnomAD exomes 0.54197; gnomAD 0.60698 and 0.61443; TOPMed 0.61292; 1000 Genomes Project 30x 0.69254; 1000 Genomes Project 0.69569.

Submissions (4):

GeneDx
Classification: Benign. Last evaluated: 2021-05-11. Review status: criteria provided, single submitter. Criteria: GeneDx Variant Classification Process June 2021. Collection method: clinical testing. Allele origin: germline. Affected: yes.

Illumina Laboratory Services, Illumina
Classification: Benign for Deficiency of steroid 11-beta-monooxygenase. Last evaluated: 2018-01-13. Review status: criteria provided, single submitter. Criteria: ICSL Variant Classification Criteria 13 December 2019. Collection method: clinical testing. Allele origin: germline.
Comment: This variant was observed in the ICSL laboratory as part of a predisposition screen in an ostensibly healthy population. It had not been previously curated by ICSL or reported in the Human Gene Mutation Database (HGMD: prior to June 1st, 2018), and was therefore a candidate for classification through an automated scoring system. Utilizing variant allele frequency, disease prevalence and penetrance estimates, and inheritance mode, an automated score was calculated to assess if this variant is too frequent to cause the disease. Based on the score and internal cut-off values, a variant classified as benign is not then subjected to further curation. The score for this variant resulted in a classification of benign for this disease.

Illumina Laboratory Services, Illumina
Classification: Benign for Glucocorticoid-remediable aldosteronism. Last evaluated: 2018-01-13. Review status: criteria provided, single submitter. Criteria: ICSL Variant Classification Criteria 13 December 2019. Collection method: clinical testing. Allele origin: germline.
Comment: the same text as in the submission from Illumina Laboratory Services, Illumina above.

Breakthrough Genomics
Classification: Benign. Review status: criteria provided, single submitter. Criteria: ACMG Guidelines, 2015. Collection method: not provided. Allele origin: germline. Inheritance: Autosomal recessive inheritance. Affected: yes.